The following is an entry in ClinVar:

NM_015046.7(SETX):c.6984G>A (p.Lys2328=)

Gene: SETX (senataxin; minus strand). Cytogenetic location: 9q34.13.
Variant type: single nucleotide variant.
Coding change: c.6984G>A on transcript NM_015046.7 (MANE Select); coding-DNA position 6984, G replaced by A.
Protein change: p.Lys2328=; no amino-acid change (lysine 2328 retained).
Molecular consequence: synonymous variant.
Genome position (GRCh38, 1-based): chr9:132,275,372, C>T on the plus strand (G>A on the coding strand, the complement: SETX is on the minus strand). VCF-style: chr9-132275372-C-T. GRCh37 (hg19) VCF-style: chr9-135150759-C-T.
Other names: c.6984G>A, p.Lys2328= (NM_001351527.2, NM_001351528.2).
Identifiers: ClinVar variation 3052292 (VCV003052292.2), dbSNP rs1200530752, ClinGen allele CA467427596.

ClinVar aggregate classification (germline): Likely benign (0 of 4 stars; one submission).

Conditions:
SETX-related disorder. Also called: SETX-related disorders; SETX-related condition. Identifiers: MedGen CN239403.

Allele frequency attached by ClinVar (database versions not stated): gnomAD exomes below 0.00001; TOPMed below 0.00001.
gnomAD v4.1: 3 of 1,608,106 alleles (0.00019%); highest among the groups gnomAD compares: South Asian, 0.0033%; no homozygotes.

Submission:

PreventionGenetics, part of Exact Sciences
Classification: Likely benign for SETX-related condition. Last evaluated: 2022-08-16. Review status: no assertion criteria provided. Collection method: clinical testing. Allele origin: germline.
Comment: This variant is classified as likely benign based on ACMG/AMP sequence variant interpretation guidelines (Richards et al. 2015 PMID: 25741868, with internal and published modifications).